The following is an entry in ClinVar:

NM_206933.4(USH2A):c.11765C>A (p.Ala3922Asp)

Gene: USH2A (usherin; minus strand). Cytogenetic location: 1q41.
Variant type: single nucleotide variant.
Coding change: c.11765C>A on transcript NM_206933.4 (MANE Select); coding-DNA position 11765, C replaced by A.
Protein change: p.Ala3922Asp; replaces alanine 3922 with aspartic acid.
Molecular consequence: missense variant.
Genome position (GRCh38, 1-based): chr1:215,728,331, G>T on the plus strand (C>A on the coding strand, the complement: USH2A is on the minus strand). VCF-style: chr1-215728331-G-T. GRCh37 (hg19) VCF-style: chr1-215901673-G-T.
Other names: short protein forms A3922D.
Identifiers: ClinVar variation 1385493 (VCV001385493.6), dbSNP rs2102713765, ClinGen allele CA344829577.
Genomic context (GRCh38, chr1:215,728,331, plus strand): 5'-ACCCGATATTCGTAGAGTGTGAAAGGCCTCAGGGTGTCTCCTTCATCCATAAATTCAAGG[G>T]CTCCTTCTGACCAGACAAATAAAACAGACTCCTCTTCAATGCCAGCAGGGCGTCTGAAAG-3'
Protein context (NP_996816.3, residues 3912-3932): ESVLFVWSEG[Ala3922Asp]LEFMDEGDTL

ClinVar aggregate classification (germline): Uncertain significance (1 of 4 stars; one submission).

Allele frequency attached by ClinVar (database versions not stated): gnomAD exomes below 0.00001.
gnomAD v4.1: 4 of 1,614,132 alleles (0.00025%); highest among the groups gnomAD compares: Non-Finnish European, 0.00017%; no homozygotes.

Submission:

Labcorp Genetics (formerly Invitae), Labcorp
Classification: Uncertain significance. Last evaluated: 2021-10-09. Review status: criteria provided, single submitter. Criteria: Invitae Variant Classification Sherloc (09022015). Collection method: clinical testing. Allele origin: germline.
Comment: In summary, the available evidence is currently insufficient to determine the role of this variant in disease. Therefore, it has been classified as a Variant of Uncertain Significance. Algorithms developed to predict the effect of missense changes on protein structure and function are either unavailable or do not agree on the potential impact of this missense change (SIFT: "Deleterious"; PolyPhen-2: "Benign"; Align-GVGD: "Class C65"). This variant has not been reported in the literature in individuals affected with USH2A-related conditions. This variant is not present in population databases (ExAC no frequency). This sequence change replaces alanine with aspartic acid at codon 3922 of the USH2A protein (p.Ala3922Asp). The alanine residue is highly conserved and there is a moderate physicochemical difference between alanine and aspartic acid.